The following is an entry in ClinVar:

ClinVar aggregate classification (germline): Pathogenic (1 of 4 stars; one submission).

Conditions:
Hereditary cancer-predisposing syndrome. Also called: Hereditary neoplastic syndrome; Tumor predisposition; Hereditary Cancer Syndrome; Neoplastic Syndromes, Hereditary. Identifiers: Orphanet 140162, MedGen C0027672, MeSH D009386, MONDO:0015356.

Submission:

Ambry Genetics
Classification: Pathogenic for Hereditary cancer-predisposing syndrome. Last evaluated: 2023-08-04. Review status: criteria provided, single submitter. Criteria: Ambry Variant Classification Scheme 2023. Collection method: clinical testing. Allele origin: germline.
Comment: The c.2281_2284delGTCA pathogenic mutation, located in coding exon 14 of the PMS2 gene, results from a deletion of 4 nucleotides at nucleotide positions 2281 to 2284, causing a translational frameshift with a predicted alternate stop codon (p.V761Lfs*6). This variant is considered to be rare based on population cohorts in the Genome Aggregation Database (gnomAD). This alteration is expected to result in loss of function by premature protein truncation or nonsense-mediated mRNA decay. As such, this alteration is interpreted as a disease-causing mutation.

NM_000535.7(PMS2):c.2281_2284del (p.Val761fs)

Gene: PMS2 (PMS1 homolog 2, mismatch repair system component; minus strand). Cytogenetic location: 7p22.1.
Variant type: Deletion.
Coding change: c.2281_2284del on transcript NM_000535.7 (MANE Select); coding-DNA positions 2281 to 2284, 4 bases deleted (GTCA; older notation c.2281_2284delGTCA).
Protein change: p.Val761fs; shifts the reading frame from valine 761.
Molecular consequence: frameshift variant. On other transcripts: intron variant (2).
Genome position (GRCh38, 1-based): chr7:5,977,749-5,977,752, TGAC deleted on the plus strand (GTCA on the coding strand, the reverse complement: PMS2 is on the minus strand); deleting any 4 consecutive bases within chr7:5,977,749-5,977,754 gives the same sequence; the c. name uses the placement nearest the transcript's 3' end. VCF-style (leftmost placement, unchanged base first): chr7-5977748-GTGAC-G. GRCh37 (hg19) VCF-style: chr7-6017379-GTGAC-G.
Other names: c.1768_1771del, p.Val590fs (NM_001406904.1, NM_001406905.1); c.1720_1723del, p.Val574fs (NM_001406907.1, NM_001406906.1, NM_001322010.2); c.1510_1513del, p.Val504fs (NM_001406911.1); c.1708_1711del, p.Val570fs (NM_001406908.1, NM_001406909.1, NM_001322013.2); c.1874_1877delCAGT, p.Val626Leufs (NM_001018040.1); c.1876_1879del, p.Val626fs (NM_001322003.2, NM_001322004.2, NM_001322005.2 and 11 more transcripts); c.2125_2128del, p.Val709fs (NM_001322006.2); c.1963_1966del, p.Val655fs (NM_001322007.2, NM_001322008.2, NM_001406883.1); and 22 more; short protein forms V360fs, V769fs, V823fs, V504fs, V590fs, V606fs, V655fs, V658fs.
Identifiers: ClinVar variation 2586339 (VCV002586339.2), dbSNP rs2535341455, ClinGen allele CA2582341723.